The following is an entry in ClinVar:

NM_001457.4(FLNB):c.6890A>G (p.Glu2297Gly)

Gene: FLNB (filamin B; plus strand). Cytogenetic location: 3p14.3.
Variant type: single nucleotide variant.
Coding change: c.6890A>G on transcript NM_001457.4 (MANE Select); coding-DNA position 6890, A replaced by G.
Protein change: p.Glu2297Gly; replaces glutamic acid 2297 with glycine.
Molecular consequence: missense variant.
Genome position (GRCh38, 1-based): chr3:58,159,555, A>G. VCF-style: chr3-58159555-A-G. GRCh37 (hg19) VCF-style: chr3-58145282-A-G.
Other names: c.6983A>G, p.Glu2328Gly (NM_001164317.2); c.6857A>G, p.Glu2286Gly (NM_001164318.2); c.6818A>G, p.Glu2273Gly (NM_001164319.2); short protein forms E2286G, E2273G, E2297G, E2328G.
Identifiers: ClinVar variation 2780804 (VCV002780804.3), dbSNP rs2471241908, ClinGen allele CA353363514.
Genomic context (GRCh38, chr3:58,159,555, plus strand): 5'-GTGTGCCACTGAGCAGGAACGCCGAGGGCCATAACCTGTCTGATGTATTAAATTCTCAGG[A>G]ATCGGGATTAAAAGTTAACCAGCCAGCATCCTTTGCTATAAGGTTGAATGGCGCAAAAGG-3'
Protein context (NP_001448.2, residues 2287-2307): ARRLTVMSLQ[Glu2297Gly]SGLKVNQPAS

ClinVar aggregate classification (germline): Uncertain significance (1 of 4 stars; one submission).

Submission:

Labcorp Genetics (formerly Invitae), Labcorp
Classification: Uncertain significance. Last evaluated: 2024-01-25. Review status: criteria provided, single submitter. Criteria: Invitae Variant Classification Sherloc (09022015). Collection method: clinical testing. Allele origin: germline.
Comment: This sequence change replaces glutamic acid, which is acidic and polar, with glycine, which is neutral and non-polar, at codon 2297 of the FLNB protein (p.Glu2297Gly). This variant is not present in population databases (gnomAD no frequency). This variant has not been reported in the literature in individuals affected with FLNB-related conditions. An algorithm developed to predict the effect of missense changes on protein structure and function (PolyPhen-2) suggests that this variant is likely to be disruptive. In summary, the available evidence is currently insufficient to determine the role of this variant in disease. Therefore, it has been classified as a Variant of Uncertain Significance.